The following is an entry in ClinVar:

NM_006231.4(POLE):c.-5G>T

Genes: POLE (DNA polymerase epsilon, catalytic subunit; minus strand), LOC130009266 (ATAC-STARR-seq lymphoblastoid silent region 5123; plus strand). Cytogenetic location: 12q24.33.
Variant type: single nucleotide variant.
Coding change: c.-5G>T on transcript NM_006231.4 (MANE Select); 5 bases upstream of the start codon, G replaced by T.
Molecular consequence: 5 prime UTR variant.
Genome position (GRCh38, 1-based): chr12:132,687,320, C>A on the plus strand (G>T on the coding strand, the complement: POLE is on the minus strand). VCF-style: chr12-132687320-C-A. GRCh37 (hg19) VCF-style: chr12-133263906-C-A.
Identifiers: ClinVar variation 826122 (VCV000826122.5), dbSNP rs1593099237, ClinGen allele CA915946786.

ClinVar aggregate classification (germline): Uncertain significance (1 of 4 stars; one submission).

Conditions:
Hereditary cancer-predisposing syndrome. Also called: Neoplastic Syndromes, Hereditary; Tumor predisposition; Hereditary neoplastic syndrome; Hereditary Cancer Syndrome. Identifiers: Orphanet 140162, MedGen C0027672, MeSH D009386, MONDO:0015356.

gnomAD v4.1: 3 of 1,499,656 alleles (0.0002%); highest among the groups gnomAD compares: South Asian, 0.0037%; no homozygotes.

Submission:

Ambry Genetics
Classification: Uncertain significance for Hereditary cancer-predisposing syndrome. Last evaluated: 2025-03-21. Review status: criteria provided, single submitter. Criteria: Ambry Variant Classification Scheme 2023. Collection method: clinical testing. Allele origin: germline.
Comment: The c.-5G>T variant is located in the 5' untranslated region (5&rsquo; UTR) of the POLE gene. This variant results from a G to T substitution 5 bases upstream from the first translated codon. This nucleotide position is not well conserved in available vertebrate species. Based on the available evidence, the clinical significance of this variant remains unclear.